The following is an entry in ClinVar:

ClinVar aggregate classification (germline): Likely benign. Review status: criteria provided, multiple submitters, no conflicts (2 of 4 stars). 2 submissions from 2 submitters: Likely benign (2). Last evaluated 2025-01-31.

Conditions:
FAT1-related disorder. Also called: FAT1-related condition.

Allele frequency attached by ClinVar (database versions not stated): ExAC 0.00001; gnomAD 0.00001; gnomAD exomes 0.00001; TOPMed 0.00001; ESP Exome Variant Server 0.00008.
gnomAD v4.1: 8 of 1,613,826 alleles (0.0005%); highest among the groups gnomAD compares: Non-Finnish European, 0.00068%; no homozygotes.

Submissions (2):

PreventionGenetics, part of Exact Sciences
Classification: Likely benign for FAT1-related condition. Last evaluated: 2025-01-31. Review status: criteria provided, single submitter. Criteria: ACMG Guidelines, 2015. Collection method: clinical testing. Allele origin: germline.
Comment: This variant is classified as likely benign based on ACMG/AMP sequence variant interpretation guidelines (Richards et al. 2015 PMID: 25741868, with internal and published modifications).

Labcorp Genetics (formerly Invitae), Labcorp
Classification: Likely benign. Last evaluated: 2023-06-23. Review status: criteria provided, single submitter. Criteria: Invitae Variant Classification Sherloc (09022015). Collection method: clinical testing. Allele origin: germline.

NM_005245.4(FAT1):c.9003C>T (p.Gly3001=)

Genes: FAT1 (FAT atypical cadherin 1; minus strand), LOC126807255 (BRD4-independent group 4 enhancer GRCh37_chr4:187538202-187539401; plus strand). Cytogenetic location: 4q35.2.
Variant type: single nucleotide variant.
Coding change: c.9003C>T on transcript NM_005245.4 (MANE Select); coding-DNA position 9003, C replaced by T.
Protein change: p.Gly3001=; no amino-acid change (glycine 3001 retained).
Molecular consequence: synonymous variant.
Genome position (GRCh38, 1-based): chr4:186,617,077, G>A on the plus strand (C>T on the coding strand, the complement: FAT1 is on the minus strand). VCF-style: chr4-186617077-G-A. GRCh37 (hg19) VCF-style: chr4-187538231-G-A.
Other names: c.9003C>T (NM_005245.3).
Identifiers: ClinVar variation 2898198 (VCV002898198.4), dbSNP rs374820315, ClinGen allele CA3165766.